The following is an entry in ClinVar:

ClinVar aggregate classification (germline): Uncertain significance (1 of 4 stars; one submission).

Conditions:
Marfan syndrome (MFS). Also called: MARFAN SYNDROME, TYPE I; Marfan syndrome type 1; Marfan's syndrome; Marfan syndrome, classic; FBN1-Related Marfan Syndrome. Identifiers: Orphanet 284963, Orphanet 558, MedGen C0024796, MONDO:0007947, OMIM 154700.
Familial thoracic aortic aneurysm and aortic dissection (TAAD). Also called: Thoracic aortic aneurysms and dissections. Identifiers: Orphanet 91387, MedGen C4707243, MONDO:0019625.

Submission:

Labcorp Genetics (formerly Invitae), Labcorp
Classification: Uncertain significance for Marfan syndrome; Familial thoracic aortic aneurysm and aortic dissection. Last evaluated: 2021-09-15. Review status: criteria provided, single submitter. Criteria: Invitae Variant Classification Sherloc (09022015). Collection method: clinical testing. Allele origin: germline.
Comment: This sequence change replaces proline with alanine at codon 254 of the FBN1 protein (p.Pro254Ala). The proline residue is highly conserved and there is a small physicochemical difference between proline and alanine. This variant is not present in population databases (ExAC no frequency). This variant has not been reported in the literature in individuals affected with FBN1-related conditions. Advanced modeling of protein sequence and biophysical properties (such as structural, functional, and spatial information, amino acid conservation, physicochemical variation, residue mobility, and thermodynamic stability) performed at Invitae indicates that this missense variant is expected to disrupt FBN1 protein function. In summary, the available evidence is currently insufficient to determine the role of this variant in disease. Therefore, it has been classified as a Variant of Uncertain Significance.

NM_000138.5(FBN1):c.760C>G (p.Pro254Ala)

Gene: FBN1 (fibrillin 1; minus strand). Cytogenetic location: 15q21.1.
Variant type: single nucleotide variant.
Coding change: c.760C>G on transcript NM_000138.5 (MANE Select); coding-DNA position 760, C replaced by G.
Protein change: p.Pro254Ala; replaces proline 254 with alanine.
Molecular consequence: missense variant.
Genome position (GRCh38, 1-based): chr15:48,534,182, G>C on the plus strand (C>G on the coding strand, the complement: FBN1 is on the minus strand). VCF-style: chr15-48534182-G-C. GRCh37 (hg19) VCF-style: chr15-48826379-G-C.
Other names: short protein forms P254A.
Identifiers: ClinVar variation 1516958 (VCV001516958.6), dbSNP rs2141353825, ClinGen allele CA392352752.